The following is an entry in ClinVar:

NM_000642.3(AGL):c.1970C>T (p.Thr657Ile)

Gene: AGL (amylo-alpha-1,6-glucosidase and 4-alpha-glucanotransferase; plus strand). Cytogenetic location: 1p21.2.
Variant type: single nucleotide variant.
Coding change: c.1970C>T on transcript NM_000642.3 (MANE Select); coding-DNA position 1970, C replaced by T.
Protein change: p.Thr657Ile; replaces threonine 657 with isoleucine.
Molecular consequence: missense variant.
Genome position (GRCh38, 1-based): chr1:99,881,146, C>T. VCF-style: chr1-99881146-C-T. GRCh37 (hg19) VCF-style: chr1-100346702-C-T.
Other names: c.1970C>T, p.Thr657Ile (NM_000028.3, NM_000643.3, NM_000644.3 and 2 more transcripts); c.1922C>T, p.Thr641Ile (NM_000646.3); c.1769C>T, p.Thr590Ile (NM_001425327.1); c.1766C>T, p.Thr589Ile (NM_001425328.1, NM_001425329.1); c.1592C>T, p.Thr531Ile (NM_001425332.1); short protein forms T641I, T657I, T531I, T589I, T590I.
Identifiers: ClinVar variation 1507720 (VCV001507720.5), dbSNP rs1245600149, ClinGen allele CA341318198.
Genomic context (GRCh38, chr1:99,881,146, plus strand): 5'-CGTATGATGCTCTTCCAAGTACTACAATTGTTTCTATGGCATGTTGTGCTAGTGGAAGTA[C>T]AAGAGGCTATGATGAATTAGTGCCTCATCAGGTTTGTTTATATGTTGTTTCTTAAAACCT-3'
Protein context (NP_000633.2, residues 647-667): VSMACCASGS[Thr657Ile]RGYDELVPHQ

ClinVar aggregate classification (germline): Uncertain significance (1 of 4 stars; one submission).

Conditions:
Glycogen storage disease type III (GSD3). Also called: FORBES DISEASE; Cori disease. Identifiers: Orphanet 366, MedGen C0017922, MONDO:0009291, OMIM 232400.

gnomAD v4.1: 1 of 1,613,872 alleles (0.000062%); no homozygotes.

Submission:

Labcorp Genetics (formerly Invitae), Labcorp
Classification: Uncertain significance for Glycogen storage disease type III. Last evaluated: 2021-08-14. Review status: criteria provided, single submitter. Criteria: Invitae Variant Classification Sherloc (09022015). Collection method: clinical testing. Allele origin: germline.
Comment: This sequence change replaces threonine with isoleucine at codon 657 of the AGL protein (p.Thr657Ile). The threonine residue is moderately conserved and there is a moderate physicochemical difference between threonine and isoleucine. This variant is not present in population databases (ExAC no frequency). This variant has not been reported in the literature in individuals affected with AGL-related conditions. Algorithms developed to predict the effect of missense changes on protein structure and function (SIFT, PolyPhen-2, Align-GVGD) all suggest that this variant is likely to be tolerated. In summary, the available evidence is currently insufficient to determine the role of this variant in disease. Therefore, it has been classified as a Variant of Uncertain Significance.